The following is an entry in ClinVar:

NM_181332.3(NLGN4X):c.1912C>T (p.Arg638Cys)

Gene: NLGN4X (neuroligin 4 X-linked; minus strand). Cytogenetic location: Xp22.32.
Variant type: single nucleotide variant.
Coding change: c.1912C>T on transcript NM_181332.3 (MANE Select); coding-DNA position 1912, C replaced by T.
Protein change: p.Arg638Cys; replaces arginine 638 with cysteine.
Molecular consequence: missense variant.
Genome position (GRCh38, 1-based): chrX:5,893,356, G>A on the plus strand (C>T on the coding strand, the complement: NLGN4X is on the minus strand). VCF-style: chrX-5893356-G-A. GRCh37 (hg19) VCF-style: chrX-5811397-G-A.
Other names: c.1912C>T, p.Arg638Cys (NM_001282145.2, NM_001282146.2, NM_001441322.1 and 4 more transcripts); short protein forms R638C.
Identifiers: ClinVar variation 4976088 (VCV004976088.1).

ClinVar aggregate classification (germline): Uncertain significance (1 of 4 stars; one submission).

gnomAD v4.1: 3 of 1,211,237 alleles (0.00025%); highest among the groups gnomAD compares: South Asian, 0.0018%; no homozygotes.

Submission:

GeneDx
Classification: Uncertain significance. Last evaluated: 2026-03-18. Review status: criteria provided, single submitter. Criteria: GeneDx Variant Classification Process June 2021. Collection method: clinical testing. Allele origin: germline.
Comment: Not observed at significant frequency in large population cohorts (gnomAD); In silico analysis supports that this missense variant has a deleterious effect on protein structure/function; Has not been previously published as pathogenic or benign to our knowledge